The following is an entry in ClinVar:

NM_003839.4(TNFRSF11A):c.295G>A (p.Val99Met)

Gene: TNFRSF11A (TNF receptor superfamily member 11a; plus strand). Cytogenetic location: 18q21.33.
Variant type: single nucleotide variant.
Coding change: c.295G>A on transcript NM_003839.4 (MANE Select); coding-DNA position 295, G replaced by A.
Protein change: p.Val99Met; replaces valine 99 with methionine.
Molecular consequence: missense variant.
Genome position (GRCh38, 1-based): chr18:62,354,402, G>A. VCF-style: chr18-62354402-G-A. GRCh37 (hg19) VCF-style: chr18-60021635-G-A.
Other names: c.295G>A, p.Val99Met (NM_001270949.2, NM_001270950.2, NM_001270951.2 and 1 more transcripts); short protein forms V99M.
Identifiers: ClinVar variation 1928095 (VCV001928095.5), dbSNP rs1427571409, ClinGen allele CA402612099.
Genomic context (GRCh38, chr18:62,354,402, plus strand): 5'-GGGCTGCCTGCCCCTCCCTGGCCACTGACCTGTCTCTTGTCTCCCGCAGGCAAGGCCCTG[G>A]TGGCCGTGGTCGCCGGCAACAGCACGACCCCCCGGCGCTGCGCGTGCACGGCTGGGTACC-3'
Protein context (NP_003830.1, residues 89-109): HKVCDTGKAL[Val99Met]AVVAGNSTTP

ClinVar aggregate classification (germline): Uncertain significance (1 of 4 stars; one submission).

Allele frequency attached by ClinVar (database versions not stated): gnomAD exomes below 0.00001.
gnomAD v4.1: 1 of 1,583,184 alleles (0.000063%); highest among the groups gnomAD compares: Admixed American, 0.0017%; no homozygotes.

Submission:

Labcorp Genetics (formerly Invitae), Labcorp
Classification: Uncertain significance. Last evaluated: 2022-01-26. Review status: criteria provided, single submitter. Criteria: Invitae Variant Classification Sherloc (09022015). Collection method: clinical testing. Allele origin: germline.
Comment: In summary, the available evidence is currently insufficient to determine the role of this variant in disease. Therefore, it has been classified as a Variant of Uncertain Significance. Algorithms developed to predict the effect of missense changes on protein structure and function (SIFT, PolyPhen-2, Align-GVGD) all suggest that this variant is likely to be tolerated. This variant has not been reported in the literature in individuals affected with TNFRSF11A-related conditions. This variant is present in population databases (no rsID available, gnomAD 0.003%). This sequence change replaces valine, which is neutral and non-polar, with methionine, which is neutral and non-polar, at codon 99 of the TNFRSF11A protein (p.Val99Met).